The following is an entry in ClinVar:

NM_030662.4(MAP2K2):c.936C>A (p.Ser312Arg)

Gene: MAP2K2 (mitogen-activated protein kinase kinase 2; minus strand). Cytogenetic location: 19p13.3.
Variant type: single nucleotide variant.
Coding change: c.936C>A on transcript NM_030662.4 (MANE Select); coding-DNA position 936, C replaced by A.
Protein change: p.Ser312Arg; replaces serine 312 with arginine.
Molecular consequence: missense variant. On other transcripts: intron variant (1).
Genome position (GRCh38, 1-based): chr19:4,097,327, G>T on the plus strand (C>A on the coding strand, the complement: MAP2K2 is on the minus strand). VCF-style: chr19-4097327-G-T. GRCh37 (hg19) VCF-style: chr19-4097325-G-T.
Other names: c.366C>A, p.Ser122Arg (NM_001440689.1); c.706-1878C>A (NM_001440688.1); short protein forms S122R, S312R.
Identifiers: ClinVar variation 4538247 (VCV004538247.1).
Genomic context (GRCh38, chr19:4,097,327, plus strand): 5'-TCAAGCACAAACCTCGTTCACAATATAGTCCAGGAGTTCAAAGATGGCCATGGCAGGCCG[G>T]CTATCCATCCCGTGACCTGCACAGGGAGAGAGATGGAGGTGAGATGGGCCGATGGCCACC-3'
Protein context (NP_109587.1, residues 302-322): GRPVSGHGMD[Ser312Arg]RPAMAIFELL

ClinVar aggregate classification (germline): Uncertain significance (1 of 4 stars; one submission).

Submission:

Greenwood Genetic Center Diagnostic Laboratories, Greenwood Genetic Center
Classification: Uncertain significance. Last evaluated: 2025-05-20. Review status: criteria provided, single submitter. Criteria: ACMG Guidelines, 2015. Collection method: clinical testing. Allele origin: germline. Affected: yes.
Comment: PM2, BP4